The following is an entry in ClinVar:

NM_006941.4(SOX10):c.1292C>T (p.Ser431Leu)

Genes: POLR2F (RNA polymerase II, I and III subunit F; plus strand), SOX10 (SRY-box transcription factor 10; minus strand). Cytogenetic location: 22q13.1.
Variant type: single nucleotide variant.
Coding change: c.1292C>T on transcript NM_006941.4 (MANE Select); coding-DNA position 1292, C replaced by T.
Protein change: p.Ser431Leu; replaces serine 431 with leucine.
Molecular consequence: missense variant. On other transcripts: intron variant (3).
Genome position (GRCh38, 1-based): chr22:37,973,604, G>A on the plus strand (C>T on the coding strand, the complement: SOX10 is on the minus strand). VCF-style: chr22-37973604-G-A. GRCh37 (hg19) VCF-style: chr22-38369611-G-A.
Other names: c.*38+1294G>A (NM_001363825.1); c.293+6434G>A (NM_001301130.2, NM_001301131.2); short protein forms S431L.
Identifiers: ClinVar variation 2919756 (VCV002919756.5), dbSNP rs765287714, ClinGen allele CA10228498.

ClinVar aggregate classification (germline): Uncertain significance. Review status: criteria provided, multiple submitters, no conflicts (2 of 4 stars). 2 submissions from 2 submitters: Uncertain significance (2). Last evaluated 2026-04-01.

Allele frequency attached by ClinVar (database versions not stated): gnomAD 0.00001; TOPMed 0.00001; ExAC 0.00001.
gnomAD v4.1: 14 of 1,612,904 alleles (0.00087%); highest among the groups gnomAD compares: South Asian, 0.0033%; no homozygotes.

Submissions (2):

CeGaT Center for Human Genetics Tuebingen
Classification: Uncertain significance. Last evaluated: 2026-04-01. Review status: criteria provided, single submitter. Criteria: CeGaT Center For Human Genetics Tuebingen Variant Classification Criteria Version 2. Collection method: clinical testing. Allele origin: germline. Affected: yes. Observed: 1 variant allele.
Comment: SOX10: PM2, PP3

Labcorp Genetics (formerly Invitae), Labcorp
Classification: Uncertain significance. Last evaluated: 2024-01-20. Review status: criteria provided, single submitter. Criteria: Invitae Variant Classification Sherloc (09022015). Collection method: clinical testing. Allele origin: germline.
Comment: This sequence change replaces serine, which is neutral and polar, with leucine, which is neutral and non-polar, at codon 431 of the SOX10 protein (p.Ser431Leu). This variant is present in population databases (rs765287714, gnomAD 0.007%). This variant has not been reported in the literature in individuals affected with SOX10-related conditions. Advanced modeling of protein sequence and biophysical properties (such as structural, functional, and spatial information, amino acid conservation, physicochemical variation, residue mobility, and thermodynamic stability) performed at Invitae indicates that this missense variant is expected to disrupt SOX10 protein function with a positive predictive value of 80%. In summary, the available evidence is currently insufficient to determine the role of this variant in disease. Therefore, it has been classified as a Variant of Uncertain Significance.